The following is an entry in ClinVar:

NM_004341.5(CAD):c.2355G>C (p.Glu785Asp)

Genes: CAD (carbamoyl-phosphate synthetase 2, aspartate transcarbamylase, and dihydroorotase; plus strand), LOC126806171 (BRD4-independent group 4 enhancer GRCh37_chr2:27454350-27455549; plus strand). Cytogenetic location: 2p23.3.
Variant type: single nucleotide variant.
Coding change: c.2355G>C on transcript NM_004341.5 (MANE Select); coding-DNA position 2355, G replaced by C.
Protein change: p.Glu785Asp; replaces glutamic acid 785 with aspartic acid.
Molecular consequence: missense variant.
Genome position (GRCh38, 1-based): chr2:27,231,535, G>C. VCF-style: chr2-27231535-G-C. GRCh37 (hg19) VCF-style: chr2-27454403-G-C.
Other names: c.2166G>C, p.Glu722Asp (NM_001306079.2); short protein forms E785D, E722D.
Identifiers: ClinVar variation 1903529 (VCV001903529.2), dbSNP rs748468111, ClinGen allele CA1572987.

ClinVar aggregate classification (germline): Uncertain significance (1 of 4 stars; one submission).

Allele frequency attached by ClinVar (database versions not stated): TOPMed below 0.00001; ExAC 0.00001; gnomAD 0.00001; gnomAD exomes 0.00001.
gnomAD v4.1: 13 of 1,613,786 alleles (0.00081%); highest among the groups gnomAD compares: South Asian, 0.0011%; no homozygotes.

Submission:

Labcorp Genetics (formerly Invitae), Labcorp
Classification: Uncertain significance. Last evaluated: 2022-03-04. Review status: criteria provided, single submitter. Criteria: Invitae Variant Classification Sherloc (09022015). Collection method: clinical testing. Allele origin: germline.
Comment: This sequence change replaces glutamic acid, which is acidic and polar, with aspartic acid, which is acidic and polar, at codon 785 of the CAD protein (p.Glu785Asp). This variant is present in population databases (rs748468111, gnomAD 0.0009%). This variant has not been reported in the literature in individuals affected with CAD-related conditions. Algorithms developed to predict the effect of missense changes on protein structure and function (SIFT, PolyPhen-2, Align-GVGD) all suggest that this variant is likely to be tolerated. In summary, the available evidence is currently insufficient to determine the role of this variant in disease. Therefore, it has been classified as a Variant of Uncertain Significance.